The following is an entry in ClinVar:

NM_000075.4(CDK4):c.283C>T (p.His95Tyr)

Gene: CDK4 (cyclin dependent kinase 4; minus strand). Cytogenetic location: 12q14.1.
Variant type: single nucleotide variant.
Coding change: c.283C>T on transcript NM_000075.4 (MANE Select); coding-DNA position 283, C replaced by T.
Protein change: p.His95Tyr; replaces histidine 95 with tyrosine.
Molecular consequence: missense variant.
Genome position (GRCh38, 1-based): chr12:57,751,278, G>A on the plus strand (C>T on the coding strand, the complement: CDK4 is on the minus strand). VCF-style: chr12-57751278-G-A. GRCh37 (hg19) VCF-style: chr12-58145061-G-A.
Other names: short protein forms H95Y.
Identifiers: ClinVar variation 2041225 (VCV002041225.4), dbSNP rs2140387390, ClinGen allele CA385547985.

ClinVar aggregate classification (germline): Uncertain significance (1 of 4 stars; one submission).

Conditions:
Familial melanoma. Also called: Hereditary melanoma; Hereditary cutaneous melanoma. Identifiers: Orphanet 618, MedGen C1512419, MONDO:0018961.

Submission:

Labcorp Genetics (formerly Invitae), Labcorp
Classification: Uncertain significance for Familial melanoma. Last evaluated: 2021-12-13. Review status: criteria provided, single submitter. Criteria: Invitae Variant Classification Sherloc (09022015). Collection method: clinical testing. Allele origin: germline.
Comment: This sequence change replaces histidine, which is basic and polar, with tyrosine, which is neutral and polar, at codon 95 of the CDK4 protein (p.His95Tyr). This variant is not present in population databases (gnomAD no frequency). This variant has not been reported in the literature in individuals affected with CDK4-related conditions. Advanced modeling of protein sequence and biophysical properties (such as structural, functional, and spatial information, amino acid conservation, physicochemical variation, residue mobility, and thermodynamic stability) performed at Invitae indicates that this missense variant is not expected to disrupt CDK4 protein function. Algorithms developed to predict the effect of sequence changes on RNA splicing suggest that this variant may create or strengthen a splice site. In summary, the available evidence is currently insufficient to determine the role of this variant in disease. Therefore, it has been classified as a Variant of Uncertain Significance.